The following is an entry in ClinVar:

NM_182760.4(SUMF1):c.39C>A (p.Cys13Ter)

Gene: SUMF1 (sulfatase modifying factor 1; minus strand). Cytogenetic location: 3p26.1.
Variant type: single nucleotide variant.
Coding change: c.39C>A on transcript NM_182760.4 (MANE Select); coding-DNA position 39, C replaced by A.
Protein change: p.Cys13Ter; replaces cysteine 13 with a stop codon.
Molecular consequence: nonsense.
Genome position (GRCh38, 1-based): chr3:4,467,207, G>T on the plus strand (C>A on the coding strand, the complement: SUMF1 is on the minus strand). VCF-style: chr3-4467207-G-T. GRCh37 (hg19) VCF-style: chr3-4508891-G-T.
Other names: c.39C>A, p.Cys13Ter (NM_001164674.2, NM_001164675.2); short protein forms C13*.
Identifiers: ClinVar variation 2763112 (VCV002763112.3), dbSNP rs749445028, ClinGen allele CA351794684.

ClinVar aggregate classification (germline): Pathogenic (1 of 4 stars; one submission).

Conditions:
Multiple sulfatase deficiency (MSD). Also called: Mucosulfatidosis; Multiple Sulfatase Deficiency Disease; Sulfatidosis, Juvenile, Austin Type. Identifiers: Orphanet 585, MedGen C0268263, MONDO:0010088, OMIM 272200.

Submission:

Labcorp Genetics (formerly Invitae), Labcorp
Classification: Pathogenic for Multiple sulfatase deficiency. Last evaluated: 2023-09-24. Review status: criteria provided, single submitter. Criteria: Invitae Variant Classification Sherloc (09022015). Collection method: clinical testing. Allele origin: germline.
Comment: For these reasons, this variant has been classified as Pathogenic. This variant has not been reported in the literature in individuals affected with SUMF1-related conditions. This variant is not present in population databases (gnomAD no frequency). This sequence change creates a premature translational stop signal (p.Cys13*) in the SUMF1 gene. It is expected to result in an absent or disrupted protein product. Loss-of-function variants in SUMF1 are known to be pathogenic (PMID: 12757705, 12757706, 25885655).

Literature cited by the submitters: PubMed 12757705; PubMed 12757706; PubMed 25885655.